The following is an entry in ClinVar:

NM_001363711.2(DUOX2):c.3910C>A (p.Arg1304=)

Gene: DUOX2 (dual oxidase 2; minus strand). Cytogenetic location: 15q21.1.
Variant type: single nucleotide variant.
Coding change: c.3910C>A on transcript NM_001363711.2 (MANE Select); coding-DNA position 3910, C replaced by A.
Protein change: p.Arg1304=; no amino-acid change (arginine 1304 retained).
Molecular consequence: synonymous variant.
Genome position (GRCh38, 1-based): chr15:45,095,998, G>T on the plus strand (C>A on the coding strand, the complement: DUOX2 is on the minus strand). VCF-style: chr15-45095998-G-T. GRCh37 (hg19) VCF-style: chr15-45388196-G-T.
Other names: c.3910C>A, p.Arg1304= (NM_014080.5).
Identifiers: ClinVar variation 1484288 (VCV001484288.5), dbSNP rs534696164, ClinGen allele CA490330777.

ClinVar aggregate classification (germline): Uncertain significance (1 of 4 stars; one submission).

gnomAD v4.1: 3 of 1,614,082 alleles (0.00019%); highest among the groups gnomAD compares: East Asian, 0.0045%; no homozygotes.

Submission:

Labcorp Genetics (formerly Invitae), Labcorp
Classification: Uncertain significance. Last evaluated: 2021-08-25. Review status: criteria provided, single submitter. Criteria: Invitae Variant Classification Sherloc (09022015). Collection method: clinical testing. Allele origin: germline.
Comment: This sequence change affects codon 1304 of the DUOX2 mRNA. It is a 'silent' change, meaning that it does not change the encoded amino acid sequence of the DUOX2 protein. This variant is not present in population databases (ExAC no frequency). This variant has not been reported in the literature in individuals affected with DUOX2-related conditions. Algorithms developed to predict the effect of sequence changes on RNA splicing suggest that this variant may create or strengthen a splice site. In summary, the available evidence is currently insufficient to determine the role of this variant in disease. Therefore, it has been classified as a Variant of Uncertain Significance.